The following is an entry in ClinVar:

NM_007294.4(BRCA1):c.3645C>T (p.Asn1215=)

Genes: BRCA1 (BRCA1 DNA repair associated; minus strand), LOC126862571 (BRD4-independent group 4 enhancer GRCh37_chr17:41243136-41244335; plus strand). Cytogenetic location: 17q21.31.
Variant type: single nucleotide variant.
Coding change: c.3645C>T on transcript NM_007294.4 (MANE Select); coding-DNA position 3645, C replaced by T.
Protein change: p.Asn1215=; no amino-acid change (asparagine 1215 retained).
Molecular consequence: synonymous variant. On other transcripts: intron variant (135).
Genome position (GRCh38, 1-based): chr17:43,091,886, G>A on the plus strand (C>T on the coding strand, the complement: BRCA1 is on the minus strand). VCF-style: chr17-43091886-G-A. GRCh37 (hg19) VCF-style: chr17-41243903-G-A.
Other names: c.3435C>T, p.Asn1145= (NM_001407884.1, NM_001407885.1, NM_001407886.1 and 13 more transcripts); c.3432C>T, p.Asn1144= (NM_001407894.1, NM_001407895.1, NM_001407896.1 and 9 more transcripts); c.3522C>T, p.Asn1174= (NM_001407919.1, NM_001407937.1, NM_001407938.1 and 19 more transcripts); c.3381C>T, p.Asn1127= (NM_001407920.1, NM_001407921.1, NM_001407922.1 and 9 more transcripts); c.3378C>T, p.Asn1126= (NM_001407930.1, NM_001407931.1, NM_001407932.1 and 2 more transcripts); c.3519C>T, p.Asn1173= (NM_001407940.1, NM_001407941.1, NM_001407649.1 and 11 more transcripts); c.3504C>T, p.Asn1168= (NM_001407942.1, NM_001407944.1, NM_001407945.1 and 29 more transcripts); c.3501C>T, p.Asn1167= (NM_001407943.1, NM_001407964.1, NM_001407740.1 and 20 more transcripts); and 41 more.
Identifiers: ClinVar variation 427294 (VCV000427294.20), dbSNP rs758329415, ClinGen allele CA500231948.

ClinVar aggregate classification (germline): Likely benign. Review status: reviewed by expert panel (3 of 4 stars). 4 submissions from 4 submitters: Likely benign (1). 3 of the submissions do not count toward it. Last evaluated 2017-06-29.

Conditions:
Hereditary cancer-predisposing syndrome. Also called: Neoplastic Syndromes, Hereditary; Hereditary neoplastic syndrome; Tumor predisposition; Hereditary Cancer Syndrome. Identifiers: Orphanet 140162, MedGen C0027672, MeSH D009386, MONDO:0015356.
Hereditary breast ovarian cancer syndrome. Also called: Hereditary breast and ovarian cancer syndrome (HBOC); BRCA1- and BRCA2-Associated Hereditary Breast and Ovarian Cancer; Hereditary breast and/or ovarian cancer syndrome; Hereditary breast and ovarian cancer syndrome; Hereditary breast and ovarian cancer; Breast and ovarian cancer. Identifiers: Orphanet 145, MedGen C0677776, MeSH D061325, MONDO:0003582. Disease mechanism: loss of function.
BRCA1-related cancer predisposition. Identifiers: MedGen CN377757, MONDO:0700268.
Breast-ovarian cancer, familial, susceptibility to, 1 (BROVCA1). Also called: BRCA1 Hereditary Breast and Ovarian Cancer; OVARIAN CANCER, SUSCEPTIBILITY TO. Identifiers: Orphanet 145, MedGen C2676676, MONDO:0011450, OMIM 604370. Disease mechanism: loss of function.

Submissions (4):

Evidence-based Network for the Interpretation of Germline Mutant Alleles (ENIGMA)
Classification: Likely benign for Breast-ovarian cancer, familial, susceptibility to, 1. Last evaluated: 2017-06-29. Review status: reviewed by expert panel. Criteria: ENIGMA BRCA1/2 Classification Criteria (2017-06-29). Collection method: curation. Allele origin: germline.
Comment: Synonymous substitution variant, with low bioinformatic likelihood to result in a splicing aberration (Splicing prior probability 0.02).

Labcorp Genetics (formerly Invitae), Labcorp
Classification: Likely benign for Hereditary breast ovarian cancer syndrome. Last evaluated: 2024-10-15. Review status: criteria provided, single submitter. Criteria: Invitae Variant Classification Sherloc (09022015). Collection method: clinical testing. Allele origin: germline. Not counted in ClinVar's aggregate classification.

All of Us Research Program, National Institutes of Health
Classification: Likely benign for BRCA1-related cancer predisposition. Last evaluated: 2024-07-29. Review status: criteria provided, single submitter. Criteria: ACMG Guidelines, 2015. Collection method: clinical testing. Allele origin: germline. Inheritance: Autosomal dominant inheritance. Observed: 1 variant allele, 1 heterozygote. Not counted in ClinVar's aggregate classification.
Comment: This study involves interpretation of variants in research participants for the purpose of population health screening. Participant phenotype was not available at the time of variant classification. Additional details can be found in publication PMID: 35346344, PMCID: PMC8962531

Ambry Genetics
Classification: Likely benign for Hereditary cancer-predisposing syndrome. Last evaluated: 2019-03-19. Review status: criteria provided, single submitter. Criteria: Ambry Variant Classification Scheme 2023. Collection method: clinical testing. Allele origin: germline. Not counted in ClinVar's aggregate classification.